The following is an entry in ClinVar:

NM_145290.4(ADGRA3):c.482C>T (p.Ser161Leu)

Gene: ADGRA3 (adhesion G protein-coupled receptor A3; minus strand). Cytogenetic location: 4p15.2.
Variant type: single nucleotide variant.
Coding change: c.482C>T on transcript NM_145290.4 (MANE Select); coding-DNA position 482, C replaced by T.
Protein change: p.Ser161Leu; replaces serine 161 with leucine.
Molecular consequence: missense variant.
Genome position (GRCh38, 1-based): chr4:22,447,503, G>A on the plus strand (C>T on the coding strand, the complement: ADGRA3 is on the minus strand). VCF-style: chr4-22447503-G-A. GRCh37 (hg19) VCF-style: chr4-22449126-G-A.
Other names: short protein forms S161L.
Identifiers: ClinVar variation 1505033 (VCV001505033.6), dbSNP rs994379710, ClinGen allele CA93529060.

ClinVar aggregate classification (germline): Uncertain significance (1 of 4 stars; one submission).

Allele frequency attached by ClinVar (database versions not stated): gnomAD exomes below 0.00001; gnomAD 0.00001.
gnomAD v4.1: 3 of 1,563,724 alleles (0.00019%); highest among the groups gnomAD compares: Admixed American, 0.0019%; no homozygotes.

Submission:

Labcorp Genetics (formerly Invitae), Labcorp
Classification: Uncertain significance. Last evaluated: 2021-08-19. Review status: criteria provided, single submitter. Criteria: Invitae Variant Classification Sherloc (09022015). Collection method: clinical testing. Allele origin: germline.
Comment: This sequence change replaces serine with leucine at codon 161 of the ADGRA3 protein (p.Ser161Leu). The serine residue is moderately conserved and there is a large physicochemical difference between serine and leucine. In summary, the available evidence is currently insufficient to determine the role of this variant in disease. Therefore, it has been classified as a Variant of Uncertain Significance. Algorithms developed to predict the effect of missense changes on protein structure and function are either unavailable or do not agree on the potential impact of this missense change (SIFT: "Deleterious"; PolyPhen-2: "Possibly Damaging"; Align-GVGD: "Class C0"). This variant has not been reported in the literature in individuals affected with ADGRA3-related conditions. This variant is not present in population databases (ExAC no frequency).